The following is an entry in ClinVar:

ClinVar aggregate classification (germline): Pathogenic (1 of 4 stars; one submission).

Conditions:
Hypertrophic cardiomyopathy 26. Also called: Cardiomyopathy, familial hypertrophic, 26. Identifiers: Orphanet 75249, MedGen C4310749, MONDO:0014883, OMIM 617047.

Submission:

Molecular Genetics Laboratory, Motol Hospital
Classification: Pathogenic for Hypertrophic cardiomyopathy 26. Last evaluated: 2025-01-08. Review status: criteria provided, single submitter. Criteria: ACMG Guidelines, 2015. Collection method: clinical testing. Allele origin: germline. Affected: yes. Observed: 1 variant allele.
Comment: null (splicing) variant in a gene where loss of function is a known mechanism of disease (PVS1), variant not present in gnomAD general population (PM2), reported as likely pathogenic without independent laboratory evaluation (PP5); ACMG PVS1, PM2, PP5

NM_000238.4(KCNH2):c.2692+1G>T

Gene: KCNH2 (potassium voltage-gated channel subfamily H member 2; minus strand). Cytogenetic location: 7q36.1.
Variant type: single nucleotide variant.
Coding change: c.2692+1G>T on transcript NM_000238.4 (MANE Select); the canonical splice donor site of the intron after coding-DNA position 2692, G replaced by T.
Molecular consequence: splice donor variant.
Genome position (GRCh38, 1-based): chr7:150,948,443, C>A on the plus strand (G>T on the coding strand, the complement: KCNH2 is on the minus strand). VCF-style: chr7-150948443-C-A. GRCh37 (hg19) VCF-style: chr7-150645531-C-A.
Other names: c.2404+1G>T (NM_001406753.1); c.1672+1G>T (NM_172057.3).
Identifiers: ClinVar variation 3544414 (VCV003544414.2), dbSNP rs1801002279.
Genomic context (GRCh38, chr7:150,948,443, plus strand): 5'-CTTCCAGCTCCCAGCCTCACCTTGTCCCCGCCCTCCCCCTTCCTCCCCTCCCCCGCCTCA[C>A]CCTTGTCCGTGCGCCTGCGGAAGGACAACTTGCGCTTGCGTTGCCGACTGAAGCCACCCT-3'